The following is an entry in ClinVar:

ClinVar aggregate classification (germline): Uncertain significance (1 of 4 stars; one submission).

Conditions:
STT3B-congenital disorder of glycosylation. Also called: STT3B-CDG; CDG Ix; Congenital disorder of glycosylation type 1x. Identifiers: Orphanet 370924, MedGen C2931007, MONDO:0014271, OMIM 615597.

gnomAD v4.1: 8 of 1,613,738 alleles (0.0005%); highest among the groups gnomAD compares: Non-Finnish European, 0.00059%; no homozygotes.

Submission:

Labcorp Genetics (formerly Invitae), Labcorp
Classification: Uncertain significance for STT3B-congenital disorder of glycosylation. Last evaluated: 2025-11-04. Review status: criteria provided, single submitter. Criteria: Invitae Variant Classification Sherloc (09022015). Collection method: clinical testing. Allele origin: germline.
Comment: This sequence change replaces methionine, which is neutral and non-polar, with isoleucine, which is neutral and non-polar, at codon 614 of the STT3B protein (p.Met614Ile). This variant is present in population databases (no rsID available, gnomAD no frequency). This variant has not been reported in the literature in individuals affected with STT3B-related conditions. Invitae Evidence Modeling of protein sequence and biophysical properties (such as structural, functional, and spatial information, amino acid conservation, physicochemical variation, residue mobility, and thermodynamic stability) indicates that this missense variant is not expected to disrupt STT3B protein function with a negative predictive value of 80%. In summary, the available evidence is currently insufficient to determine the role of this variant in disease. Therefore, it has been classified as a Variant of Uncertain Significance.

NM_178862.3(STT3B):c.1842G>A (p.Met614Ile)

Gene: STT3B (STT3 oligosaccharyltransferase complex catalytic subunit B; plus strand). Cytogenetic location: 3p23.
Variant type: single nucleotide variant.
Coding change: c.1842G>A on transcript NM_178862.3 (MANE Select); coding-DNA position 1842, G replaced by A.
Protein change: p.Met614Ile; replaces methionine 614 with isoleucine.
Molecular consequence: missense variant.
Genome position (GRCh38, 1-based): chr3:31,625,028, G>A. VCF-style: chr3-31625028-G-A. GRCh37 (hg19) VCF-style: chr3-31666520-G-A.
Other names: short protein forms M614I.
Identifiers: ClinVar variation 4706020 (VCV004706020.1).